The following is an entry in ClinVar:

GRCh38/hg38 1p36.12(chr1:21999190-22063093)

Genes: CDC42 (cell division cycle 42; plus strand), CELA3A (chymotrypsin like elastase 3A; plus strand), LINC00339 (long intergenic non-protein coding RNA 339; plus strand), LINC01635 (long intergenic non-protein coding RNA 1635; minus strand), LOC120893122 (Sharpr-MPRA regulatory region 3950; plus strand) and 6 more. Cytogenetic location: 1p36.12.
Variant type: copy number gain.
Identifiers: ClinVar variation 2665068 (VCV002665068.1).

ClinVar aggregate classification (germline): Uncertain significance (1 of 4 stars; one submission).

Submission:

New York Genome Center
Classification: Uncertain significance. Last evaluated: 2023-08-23. Review status: criteria provided, single submitter. Criteria: NYGC Assertion Criteria 2020. Collection method: clinical testing. Allele origin: inherited. Observed: 1 variant allele.
Comment: The inherited 1p36.12 duplication contains 5 genes, 2 MIM associated genes and partially contains one MIM disease associated gene, CDC42. Only the first exon of CDC42 (exon 1 of 6), which is a non-coding exon is contained within this duplication. Similar duplications of this region including exon 1 of CDC42 are not reported in population databases (gnomAD SVs, Database of Genomic Variants), suggesting it is not a common benign variant in the populations represented in those databases. This exact duplication is absent from ClinVar and to our current knowledge has not been reported in affected individuals in the literature. Given the lack of compelling evidence for its pathogenicity and the uncertain functional consequence of CDC42 exon 1 duplication, the inherited 1p36.12 duplication observed is reported as a Variant of Uncertain Significance.